The following is an entry in ClinVar:

NM_015965.7(NDUFA13):c.375C>T (p.Tyr125=)

Gene: NDUFA13 (NADH:ubiquinone oxidoreductase subunit A13; plus strand). Cytogenetic location: 19p13.11.
Variant type: single nucleotide variant.
Coding change: c.375C>T on transcript NM_015965.7 (MANE Select); coding-DNA position 375, C replaced by T.
Protein change: p.Tyr125=; no amino-acid change (tyrosine 125 retained).
Molecular consequence: synonymous variant.
Genome position (GRCh38, 1-based): chr19:19,528,066, C>T. VCF-style: chr19-19528066-C-T. GRCh37 (hg19) VCF-style: chr19-19638875-C-T.
Other names: c.375C>T (NM_015965.6).
Identifiers: ClinVar variation 2054888 (VCV002054888.6), dbSNP rs141026032, ClinGen allele CA9327850.

ClinVar aggregate classification (germline): Likely benign. Review status: criteria provided, single submitter (1 of 4 stars). 2 submissions from 2 submitters: Likely benign (1). 1 of the submissions does not count toward it. Last evaluated 2024-08-04.

Conditions:
NDUFA13-related disorder. Also called: NDUFA13-related condition.

Allele frequency attached by ClinVar (database versions not stated): ESP Exome Variant Server 0.00008; gnomAD 0.00009; gnomAD exomes 0.00011; ExAC 0.00023; TOPMed 0.00005.
gnomAD v4.1: 179 of 1,611,816 alleles (0.011%); highest among the groups gnomAD compares: South Asian, 0.11%; 2 homozygotes.

Submissions (2):

Labcorp Genetics (formerly Invitae), Labcorp
Classification: Likely benign. Last evaluated: 2024-08-04. Review status: criteria provided, single submitter. Criteria: Invitae Variant Classification Sherloc (09022015). Collection method: clinical testing. Allele origin: germline.

PreventionGenetics, part of Exact Sciences
Classification: Likely benign for NDUFA13-related condition. Last evaluated: 2020-03-03. Review status: no assertion criteria provided. Collection method: clinical testing. Allele origin: germline. Not counted in ClinVar's aggregate classification.
Comment: This variant is classified as likely benign based on ACMG/AMP sequence variant interpretation guidelines (Richards et al. 2015 PMID: 25741868, with internal and published modifications).